The following is an entry in ClinVar:

NM_002693.3(POLG):c.1991G>C (p.Gly664Ala)

Gene: POLG (DNA polymerase gamma, catalytic subunit; minus strand). Cytogenetic location: 15q26.1.
Variant type: single nucleotide variant.
Coding change: c.1991G>C on transcript NM_002693.3 (MANE Select); coding-DNA position 1991, G replaced by C.
Protein change: p.Gly664Ala; replaces glycine 664 with alanine.
Molecular consequence: missense variant.
Genome position (GRCh38, 1-based): chr15:89,324,186, C>G on the plus strand (G>C on the coding strand, the complement: POLG is on the minus strand). VCF-style: chr15-89324186-C-G. GRCh37 (hg19) VCF-style: chr15-89867417-C-G.
Other names: c.1991G>C, p.Gly664Ala (NM_001126131.2); short protein forms G664A.
Identifiers: ClinVar variation 3035924 (VCV003035924.3), dbSNP rs773073959, ClinGen allele CA393757728.
Genomic context (GRCh38, chr15:89,324,186, plus strand): 5'-TTGTCAGTGAGCAGGAACTCCTCCGCCAGGCCGGCCTCCTGGGGCATCAGCTGCTGCTTC[C>G]CCTGTTCGAGACAGTGCTTCCTGTACAGGGACTCGATGGCTCTGGGCAGAGAACAGTAGC-3'
Protein context (NP_002684.1, residues 654-674): SLYRKHCLEQ[Gly664Ala]KQQLMPQEAG

ClinVar aggregate classification (germline): Uncertain significance. Review status: criteria provided, single submitter (1 of 4 stars). 2 submissions from 2 submitters: Uncertain significance (1). 1 of the submissions does not count toward it. Last evaluated 2024-11-09.

Conditions:
POLG-related disorder. Also called: POLG-Related Spectrum Disorders; POLG-related condition; POLG-Related Disorders. Identifiers: MedGen C4763519.
Progressive sclerosing poliodystrophy (MTDPS4A). Also called: ALPERS PROGRESSIVE INFANTILE POLIODYSTROPHY; NEURONAL DEGENERATION OF CHILDHOOD WITH LIVER DISEASE, PROGRESSIVE; Alpers Syndrome; ALPERS DIFFUSE DEGENERATION OF CEREBRAL GRAY MATTER WITH HEPATIC CIRRHOSIS; Alpers-Huttenlocher Syndrome; Mitochondrial DNA depletion syndrome 4A (Alpers type). Identifiers: Orphanet 726, MedGen C0205710, MONDO:0008758, OMIM 203700.

gnomAD v4.1: 6 of 1,613,724 alleles (0.00037%); no homozygotes.

Submissions (2):

Labcorp Genetics (formerly Invitae), Labcorp
Classification: Uncertain significance for Progressive sclerosing poliodystrophy. Last evaluated: 2024-11-09. Review status: criteria provided, single submitter. Criteria: Invitae Variant Classification Sherloc (09022015). Collection method: clinical testing. Allele origin: germline.
Comment: This sequence change replaces glycine, which is neutral and non-polar, with alanine, which is neutral and non-polar, at codon 664 of the POLG protein (p.Gly664Ala). This variant is present in population databases (no rsID available, gnomAD 0.01%). This variant has not been reported in the literature in individuals affected with POLG-related conditions. ClinVar contains an entry for this variant (Variation ID: 3035924). Invitae Evidence Modeling of protein sequence and biophysical properties (such as structural, functional, and spatial information, amino acid conservation, physicochemical variation, residue mobility, and thermodynamic stability) indicates that this missense variant is not expected to disrupt POLG protein function with a negative predictive value of 95%. In summary, the available evidence is currently insufficient to determine the role of this variant in disease. Therefore, it has been classified as a Variant of Uncertain Significance.

PreventionGenetics, part of Exact Sciences
Classification: Uncertain significance for POLG-related condition. Last evaluated: 2024-01-05. Review status: no assertion criteria provided. Collection method: clinical testing. Allele origin: germline. Not counted in ClinVar's aggregate classification.
Comment: The POLG c.1991G>C variant is predicted to result in the amino acid substitution p.Gly664Ala. To our knowledge, this variant has not been reported in the literature. This variant is reported in 0.0099% of alleles in individuals of Ashkenazi Jewish descent in gnomAD. At this time, the clinical significance of this variant is uncertain due to the absence of conclusive functional and genetic evidence.